The following is an entry in ClinVar:

ClinVar aggregate classification (germline): Uncertain significance (1 of 4 stars; one submission).

gnomAD v4.1: 5 of 1,206,232 alleles (0.00041%); highest among the groups gnomAD compares: South Asian, 0.0035%; no homozygotes.

Submission:

Women's Health and Genetics/Laboratory Corporation of America, LabCorp
Classification: Uncertain significance. Last evaluated: 2025-04-11. Review status: criteria provided, single submitter. Criteria: LabCorp Variant Classification Summary - May 2015. Collection method: clinical testing. Allele origin: germline.
Comment: Variant summary: AVPR2 c.307G>A (p.Asp103Asn) results in a conservative amino acid change located in the GPCR, rhodopsin-like, 7TM domain (IPR017452) of the encoded protein sequence. Three of five in-silico tools predict a benign effect of the variant on protein function. The variant was absent in 177484 control chromosomes. The available data on variant occurrences in the general population are insufficient to allow any conclusion about variant significance. To our knowledge, no occurrence of c.307G>A in individuals affected with Nephrogenic Diabetes Insipidus and no experimental evidence demonstrating its impact on protein function have been reported. No submitters have cited clinical-significance assessments for this variant to ClinVar. Based on the evidence outlined above, the variant was classified as uncertain significance.

NM_000054.7(AVPR2):c.307G>A (p.Asp103Asn)

Gene: AVPR2 (arginine vasopressin receptor 2; plus strand). Cytogenetic location: Xq28.
Variant type: single nucleotide variant.
Coding change: c.307G>A on transcript NM_000054.7 (MANE Select); coding-DNA position 307, G replaced by A.
Protein change: p.Asp103Asn; replaces aspartic acid 103 with asparagine.
Molecular consequence: missense variant.
Genome position (GRCh38, 1-based): chrX:153,905,813, G>A. VCF-style: chrX-153905813-G-A. GRCh37 (hg19) VCF-style: chrX-153171267-G-A.
Other names: c.307G>A, p.Asp103Asn (NM_001146151.3); short protein forms D103N.
Identifiers: ClinVar variation 3896321 (VCV003896321.2).